The following is an entry in ClinVar:

ClinVar aggregate classification (germline): Uncertain significance (1 of 4 stars; one submission).

Conditions:
Cardiomyopathy (CMYO). Also called: Cardiomyopathies. Identifiers: Orphanet 167848, MedGen C0878544, MONDO:0004994, HP:0001638. Inheritance: Various modes of inheritance.

Submission:

Color Diagnostics, LLC DBA Color Health
Classification: Uncertain significance for Cardiomyopathy. Last evaluated: 2023-12-05. Review status: criteria provided, single submitter. Criteria: ACMG Guidelines, 2015. Collection method: clinical testing. Allele origin: germline.
Comment: Variant of Uncertain Significance due to insufficient evidence: This missense variant is located in the C-terminal plakin repeat domain B of the DSP protein. Computational prediction tools and conservation analyses suggest that this variant may have deleterious impact on the protein function. Computational splicing tools suggest that this variant may not impact RNA splicing. To our knowledge, functional assays have not been performed for this variant nor has this variant been reported in individuals affected with cardiovascular disorders in the literature. This variant is rare in the general population and has been identified in 0/277264 chromosomes by the Genome Aggregation Database (gnomAD). Available evidence is insufficient to determine the pathogenicity of this variant conclusively.

NM_004415.4(DSP):c.6829G>A (p.Ala2277Thr)

Gene: DSP (desmoplakin; plus strand). Cytogenetic location: 6p24.3.
Variant type: single nucleotide variant.
Coding change: c.6829G>A on transcript NM_004415.4 (MANE Select); coding-DNA position 6829, G replaced by A.
Protein change: p.Ala2277Thr; replaces alanine 2277 with threonine.
Molecular consequence: missense variant.
Genome position (GRCh38, 1-based): chr6:7,584,091, G>A. VCF-style: chr6-7584091-G-A. GRCh37 (hg19) VCF-style: chr6-7584324-G-A.
Other names: c.5032G>A, p.Ala1678Thr (NM_001008844.3); c.5500G>A, p.Ala1834Thr (NM_001319034.2); short protein forms A1678T, A1834T, A2277T.
Identifiers: ClinVar variation 927303 (VCV000927303.5), dbSNP rs1759548533, ClinGen allele CA362691649.